The following is an entry in ClinVar:

ClinVar aggregate classification (germline): Likely benign. Review status: criteria provided, single submitter (1 of 4 stars). 2 submissions from 2 submitters: Likely benign (1). 1 of the submissions does not count toward it. Last evaluated 2025-12-01.

Conditions:
DYNC1H1-related disorder. Also called: DYNC1H1-related condition; DYNC1H1-related disorders. Identifiers: MedGen CN381529.
Charcot-Marie-Tooth disease axonal type 2O. Also called: CHARCOT-MARIE-TOOTH NEUROPATHY, AXONAL, TYPE 2O; CHARCOT-MARIE-TOOTH DISEASE, AXONAL, AUTOSOMAL DOMINANT, TYPE 2O; Charcot-Marie-Tooth disease, axonal, type 20; Charcot-Marie-Tooth Neuropathy Type 2O. Identifiers: Orphanet 284232, MedGen C3280220, MONDO:0013644, OMIM 614228.

Allele frequency attached by ClinVar (database versions not stated): gnomAD exomes 0.00004; ExAC 0.00006; ESP Exome Variant Server 0.00008; gnomAD 0.00010 and 0.00014; TOPMed 0.00016.
gnomAD v4.1: 47 of 1,613,922 alleles (0.0029%); highest among the groups gnomAD compares: African/African-American, 0.048%; no homozygotes.

Submissions (2):

Labcorp Genetics (formerly Invitae), Labcorp
Classification: Likely benign for Charcot-Marie-Tooth disease axonal type 2O. Last evaluated: 2025-12-01. Review status: criteria provided, single submitter. Criteria: Invitae Variant Classification Sherloc (09022015). Collection method: clinical testing. Allele origin: germline.

PreventionGenetics, part of Exact Sciences
Classification: Likely benign for DYNC1H1-related condition. Last evaluated: 2022-12-01. Review status: no assertion criteria provided. Collection method: clinical testing. Allele origin: germline. Not counted in ClinVar's aggregate classification.
Comment: This variant is classified as likely benign based on ACMG/AMP sequence variant interpretation guidelines (Richards et al. 2015 PMID: 25741868, with internal and published modifications).

NM_001376.5(DYNC1H1):c.1308C>T (p.Asp436=)

Gene: DYNC1H1 (dynein cytoplasmic 1 heavy chain 1; plus strand). Cytogenetic location: 14q32.31.
Variant type: single nucleotide variant.
Coding change: c.1308C>T on transcript NM_001376.5 (MANE Select); coding-DNA position 1308, C replaced by T.
Protein change: p.Asp436=; no amino-acid change (aspartic acid 436 retained).
Molecular consequence: synonymous variant.
Genome position (GRCh38, 1-based): chr14:101,983,456, C>T. VCF-style: chr14-101983456-C-T. GRCh37 (hg19) VCF-style: chr14-102449793-C-T.
Identifiers: ClinVar variation 705438 (VCV000705438.12), dbSNP rs147531912, ClinGen allele CA7351675.